The following is an entry in ClinVar:

ClinVar aggregate classification (germline): Uncertain significance. Review status: criteria provided, multiple submitters, no conflicts (2 of 4 stars). 3 submissions from 3 submitters: Uncertain significance (3). Last evaluated 2024-03-21.

Conditions:
Ataxia-telangiectasia syndrome (AT). Also called: Ataxia-telangiectasia; LOUIS-BAR SYNDROME; AT, COMPLEMENTATION GROUP C; Ataxia-telangiectasia, complementation group E; Ataxia telangiectasia (A-T); Cerebello-oculocutaneous telangiectasia. Identifiers: Orphanet 100, MedGen C0004135, MONDO:0008840, OMIM 208900.
Hereditary cancer-predisposing syndrome. Also called: Tumor predisposition; Hereditary neoplastic syndrome; Hereditary Cancer Syndrome; Neoplastic Syndromes, Hereditary. Identifiers: Orphanet 140162, MedGen C0027672, MeSH D009386, MONDO:0015356.

Submissions (3):

Ambry Genetics
Classification: Uncertain significance for Hereditary cancer-predisposing syndrome. Last evaluated: 2024-03-21. Review status: criteria provided, single submitter. Criteria: Ambry Variant Classification Scheme 2023. Collection method: clinical testing. Allele origin: germline.
Comment: The p.L948Q variant (also known as c.2843T>A), located in coding exon 18 of the ATM gene, results from a T to A substitution at nucleotide position 2843. The leucine at codon 948 is replaced by glutamine, an amino acid with dissimilar properties. This amino acid position is highly conserved in available vertebrate species. In addition, this alteration is predicted to be deleterious by in silico analysis. Based on the available evidence, the clinical significance of this alteration remains unclear.

Color Diagnostics, LLC DBA Color Health
Classification: Uncertain significance for Hereditary cancer-predisposing syndrome. Last evaluated: 2024-03-07. Review status: criteria provided, single submitter. Criteria: ACMG Guidelines, 2015. Collection method: clinical testing. Allele origin: germline.
Comment: This missense variant replaces leucine with glutamine at codon 948 of the ATM protein. Computational prediction is inconclusive regarding the impact of this variant on protein structure and function (internally defined REVEL score threshold 0.5 < inconclusive < 0.7, PMID: 27666373). To our knowledge, functional studies have not been reported for this variant. This variant has not been reported in individuals affected with hereditary cancer in the literature. This variant has not been identified in the general population by the Genome Aggregation Database (gnomAD). The available evidence is insufficient to determine the role of this variant in disease conclusively. Therefore, this variant is classified as a Variant of Uncertain Significance.

Labcorp Genetics (formerly Invitae), Labcorp
Classification: Uncertain significance for Ataxia-telangiectasia syndrome. Last evaluated: 2021-09-02. Review status: criteria provided, single submitter. Criteria: Invitae Variant Classification Sherloc (09022015). Collection method: clinical testing. Allele origin: germline.
Comment: This sequence change replaces leucine with glutamine at codon 948 of the ATM protein (p.Leu948Gln). The leucine residue is moderately conserved and there is a moderate physicochemical difference between leucine and glutamine. This variant is not present in population databases (ExAC no frequency). This variant has not been reported in the literature in individuals affected with ATM-related conditions. Algorithms developed to predict the effect of missense changes on protein structure and function (SIFT, PolyPhen-2, Align-GVGD) all suggest that this variant is likely to be disruptive. In summary, the available evidence is currently insufficient to determine the role of this variant in disease. Therefore, it has been classified as a Variant of Uncertain Significance.

NM_000051.4(ATM):c.2843T>A (p.Leu948Gln)

Gene: ATM (ATM serine/threonine kinase; plus strand). Cytogenetic location: 11q22.3.
Variant type: single nucleotide variant.
Coding change: c.2843T>A on transcript NM_000051.4 (MANE Select); coding-DNA position 2843, T replaced by A.
Protein change: p.Leu948Gln; replaces leucine 948 with glutamine.
Molecular consequence: missense variant.
Genome position (GRCh38, 1-based): chr11:108,271,068, T>A. VCF-style: chr11-108271068-T-A. GRCh37 (hg19) VCF-style: chr11-108141795-T-A.
Other names: c.2843T>A, p.Leu948Gln (NM_001351834.2); short protein forms L948Q.
Identifiers: ClinVar variation 1444691 (VCV001444691.10), dbSNP rs2135547361, ClinGen allele CA382546693.